The following is an entry in ClinVar:

ClinVar aggregate classification (germline): Likely benign (1 of 4 stars; one submission).

Submission:

GeneDx
Classification: Likely benign. Last evaluated: 2017-09-06. Review status: criteria provided, single submitter. Criteria: GeneDx Variant Classification (06012015). Collection method: clinical testing. Allele origin: germline. Affected: yes.
Comment: This variant is considered likely benign or benign based on one or more of the following criteria: it is a conservative change, it occurs at a poorly conserved position in the protein, it is predicted to be benign by multiple in silico algorithms, and/or has population frequency not consistent with disease.

NM_001370595.2(COA8):c.216A>C (p.Ile72=)

Gene: COA8 (cytochrome c oxidase assembly factor 8; plus strand). Cytogenetic location: 14q32.33.
Variant type: single nucleotide variant.
Coding change: c.216A>C on transcript NM_001370595.2 (MANE Select); coding-DNA position 216, A replaced by C.
Protein change: p.Ile72=; no amino-acid change (isoleucine 72 retained).
Molecular consequence: synonymous variant. On other transcripts: non-coding transcript variant (2).
Genome position (GRCh38, 1-based): chr14:103,571,715, A>C. VCF-style: chr14-103571715-A-C. GRCh37 (hg19) VCF-style: chr14-104038052-A-C.
Other names: c.255A>C (NM_032374.4); c.216A>C, p.Ile72= (NM_001302653.2, NM_001302654.2).
Identifiers: ClinVar variation 511472 (VCV000511472.1), dbSNP rs756869402, ClinGen allele CA488032876.